The following is an entry in ClinVar:

NM_004565.3(PEX14):c.678-4C>G

Gene: PEX14 (peroxisomal biogenesis factor 14; plus strand). Cytogenetic location: 1p36.22.
Variant type: single nucleotide variant.
Coding change: c.678-4C>G on transcript NM_004565.3 (MANE Select); 4 bases into the intron before coding-DNA position 678, C replaced by G.
Molecular consequence: intron variant.
Genome position (GRCh38, 1-based): chr1:10,629,527, C>G. VCF-style: chr1-10629527-C-G. GRCh37 (hg19) VCF-style: chr1-10689584-C-G.
Identifiers: ClinVar variation 3030907 (VCV003030907.2), dbSNP rs1641847908, ClinGen allele CA1153293682.

ClinVar aggregate classification (germline): Likely benign (0 of 4 stars; one submission).

Conditions:
PEX14-related disorder. Also called: PEX14-related condition.

Allele frequency attached by ClinVar (database versions not stated): TOPMed below 0.00001.

Submission:

PreventionGenetics, part of Exact Sciences
Classification: Likely benign for PEX14-related condition. Last evaluated: 2021-04-12. Review status: no assertion criteria provided. Collection method: clinical testing. Allele origin: germline.
Comment: This variant is classified as likely benign based on ACMG/AMP sequence variant interpretation guidelines (Richards et al. 2015 PMID: 25741868, with internal and published modifications).